The following is an entry in ClinVar:

ClinVar aggregate classification (germline): Pathogenic (1 of 4 stars; one submission).

Submission:

GeneDx
Classification: Pathogenic. Last evaluated: 2025-04-28. Review status: criteria provided, single submitter. Criteria: GeneDx Variant Classification Process June 2021. Collection method: clinical testing. Allele origin: germline.
Comment: Nonsense variant predicted to result in protein truncation or nonsense mediated decay in a gene for which loss of function is a known mechanism of disease; Not observed at significant frequency in large population cohorts (gnomAD); Has not been previously published as pathogenic or benign to our knowledge

NM_016333.4(SRRM2):c.5225C>G (p.Ser1742Ter)

Gene: SRRM2 (serine/arginine repetitive matrix 2; plus strand). Cytogenetic location: 16p13.3.
Variant type: single nucleotide variant.
Coding change: c.5225C>G on transcript NM_016333.4 (MANE Select); coding-DNA position 5225, C replaced by G.
Protein change: p.Ser1742Ter; replaces serine 1742 with a stop codon.
Molecular consequence: nonsense.
Genome position (GRCh38, 1-based): chr16:2,765,753, C>G. VCF-style: chr16-2765753-C-G. GRCh37 (hg19) VCF-style: chr16-2815754-C-G.
Other names: short protein forms S1742*.
Identifiers: ClinVar variation 1703453 (VCV001703453.3), dbSNP rs2505611145, ClinGen allele CA394422087.
Genomic context (GRCh38, chr16:2,765,753, plus strand): 5'-CAAGGCACCGGAGAAGTCCCTCAGTGTCTTCCCCGGAGCCAGCCGAAAAATCGAGGTCTT[C>G]ACGCCGACGGCGCTCAGCTTCATCTCCACGCACTAAGACAACCTCAAGGAGAGGCCGCTC-3'